The following is an entry in ClinVar:

ClinVar aggregate classification (germline): Uncertain significance (1 of 4 stars; one submission).

Conditions:
Primary ciliary dyskinesia 6. Also called: Primary Ciliary Dyskinesia 6: TXNDC3-Related Primary Ciliary Dyskinesia. Identifiers: Orphanet 244, MedGen C1970506, MONDO:0012571, OMIM 610852.

Submission:

Labcorp Genetics (formerly Invitae), Labcorp
Classification: Uncertain significance for Primary ciliary dyskinesia 6. Last evaluated: 2022-06-13. Review status: criteria provided, single submitter. Criteria: Invitae Variant Classification Sherloc (09022015). Collection method: clinical testing. Allele origin: germline.
Comment: In summary, the available evidence is currently insufficient to determine the role of this variant in disease. Therefore, it has been classified as a Variant of Uncertain Significance. Algorithms developed to predict the effect of missense changes on protein structure and function are either unavailable or do not agree on the potential impact of this missense change (SIFT: "Deleterious"; PolyPhen-2: "Probably Damaging"; Align-GVGD: "Class C0"). This variant has not been reported in the literature in individuals affected with NME8-related conditions. This variant is not present in population databases (gnomAD no frequency). This sequence change replaces glycine, which is neutral and non-polar, with aspartic acid, which is acidic and polar, at codon 28 of the NME8 protein (p.Gly28Asp).

NM_016616.5(NME8):c.83G>A (p.Gly28Asp)

Gene: NME8 (NME/NM23 family member 8; plus strand). Cytogenetic location: 7p14.1.
Variant type: single nucleotide variant.
Coding change: c.83G>A on transcript NM_016616.5 (MANE Select); coding-DNA position 83, G replaced by A.
Protein change: p.Gly28Asp; replaces glycine 28 with aspartic acid.
Molecular consequence: missense variant.
Genome position (GRCh38, 1-based): chr7:37,850,427, G>A. VCF-style: chr7-37850427-G-A. GRCh37 (hg19) VCF-style: chr7-37890029-G-A.
Other names: short protein forms G28D.
Identifiers: ClinVar variation 2745520 (VCV002745520.3), dbSNP rs2483605113, ClinGen allele CA367219136.